The following is an entry in ClinVar:

ClinVar aggregate classification (germline): Likely benign (0 of 4 stars; one submission).

Conditions:
VIL1-related disorder. Also called: VIL1-related condition.

Allele frequency attached by ClinVar (database versions not stated): ExAC 0.00074; ESP Exome Variant Server 0.00261; 1000 Genomes Project 0.00319; 1000 Genomes Project 30x 0.00344.
gnomAD v4.1: 752 of 1,614,118 alleles (0.047%); highest among the groups gnomAD compares: African/African-American, 0.8%; 3 homozygotes.

Submission:

PreventionGenetics, part of Exact Sciences
Classification: Likely benign for VIL1-related condition. Last evaluated: 2019-07-12. Review status: no assertion criteria provided. Collection method: clinical testing. Allele origin: germline.
Comment: This variant is classified as likely benign based on ACMG/AMP sequence variant interpretation guidelines (Richards et al. 2015 PMID: 25741868, with internal and published modifications).

NM_007127.3(VIL1):c.16G>A (p.Ala6Thr)

Gene: VIL1 (villin 1; plus strand). Cytogenetic location: 2q35.
Variant type: single nucleotide variant.
Coding change: c.16G>A on transcript NM_007127.3 (MANE Select); coding-DNA position 16, G replaced by A.
Protein change: p.Ala6Thr; replaces alanine 6 with threonine.
Molecular consequence: missense variant.
Genome position (GRCh38, 1-based): chr2:218,423,794, G>A. VCF-style: chr2-218423794-G-A. GRCh37 (hg19) VCF-style: chr2-219288517-G-A.
Other names: short protein forms A6T.
Identifiers: ClinVar variation 3049803 (VCV003049803.2), dbSNP rs146567646, ClinGen allele CA2105921.